The following is an entry in ClinVar:

NM_001283009.2(RTEL1):c.3889C>T (p.Pro1297Ser)

Genes: RTEL1 (regulator of telomere elongation helicase 1; plus strand), RTEL1-TNFRSF6B (RTEL1-TNFRSF6B readthrough (NMD candidate); plus strand). Cytogenetic location: 20q13.33.
Variant type: single nucleotide variant.
Coding change: c.3889C>T on transcript NM_001283009.2 (MANE Select); coding-DNA position 3889, C replaced by T.
Protein change: p.Pro1297Ser; replaces proline 1297 with serine.
Molecular consequence: missense variant. On other transcripts: non-coding transcript variant (1), 3 prime UTR variant (3).
Genome position (GRCh38, 1-based): chr20:63,695,844, C>T. VCF-style: chr20-63695844-C-T. GRCh37 (hg19) VCF-style: chr20-62327197-C-T.
Other names: c.*59C>T (NM_001283010.1, NM_016434.4, NM_032957.5); short protein forms P1297S.
Identifiers: ClinVar variation 969260 (VCV000969260.6), dbSNP rs2090967528, ClinGen allele CA409710553.

ClinVar aggregate classification (germline): Uncertain significance (1 of 4 stars; one submission).

Conditions:
Pulmonary fibrosis and/or bone marrow failure, Telomere-related, 3. Also called: PULMONARY FIBROSIS AND/OR BONE MARROW FAILURE SYNDROME, TELOMERE-RELATED, 3. Identifiers: Orphanet 2032, MedGen C4225346, MONDO:0014613, OMIM 616373.
Dyskeratosis congenita, autosomal recessive 5 (DKCB5). Identifiers: MedGen C3554656, MONDO:0014076, OMIM 615190.

gnomAD v4.1: 1 of 1,592,478 alleles (0.000063%); highest among the groups gnomAD compares: Non-Finnish European, 0.000085%; no homozygotes.

Submission:

Labcorp Genetics (formerly Invitae), Labcorp
Classification: Uncertain significance for Dyskeratosis congenita, autosomal recessive 5; Pulmonary fibrosis and/or bone marrow failure, Telomere-related, 3. Last evaluated: 2021-08-26. Review status: criteria provided, single submitter. Criteria: Invitae Variant Classification Sherloc (09022015). Collection method: clinical testing. Allele origin: germline.
Comment: This sequence change replaces proline with serine at codon 1297 of the RTEL1 protein (p.Pro1297Ser). The proline residue is weakly conserved and there is a moderate physicochemical difference between proline and serine. This variant is not present in population databases (ExAC no frequency). This variant has not been reported in the literature in individuals affected with RTEL1-related conditions. Algorithms developed to predict the effect of missense changes on protein structure and function are either unavailable or do not agree on the potential impact of this missense change (SIFT: "Tolerated"; PolyPhen-2: "Possibly Damaging"; Align-GVGD: "Class C0"). Algorithms developed to predict the effect of sequence changes on RNA splicing suggest that this variant may create or strengthen a splice site. In summary, the available evidence is currently insufficient to determine the role of this variant in disease. Therefore, it has been classified as a Variant of Uncertain Significance.